The following is an entry in ClinVar:

ClinVar aggregate classification (germline): Pathogenic (1 of 4 stars; one submission).

Submission:

Labcorp Genetics (formerly Invitae), Labcorp
Classification: Pathogenic. Last evaluated: 2023-02-14. Review status: criteria provided, single submitter. Criteria: Invitae Variant Classification Sherloc (09022015). Collection method: clinical testing. Allele origin: germline.
Comment: This sequence change replaces threonine, which is neutral and polar, with arginine, which is basic and polar, at codon 461 of the PHEX protein (p.Thr461Arg). This variant is not present in population databases (gnomAD no frequency). This missense change has been observed in individual(s) with hypophosphatemia (Invitae). It has also been observed to segregate with disease in related individuals. ClinVar contains an entry for this variant (Variation ID: 860072). Algorithms developed to predict the effect of missense changes on protein structure and function (SIFT, PolyPhen-2, Align-GVGD) all suggest that this variant is likely to be disruptive. For these reasons, this variant has been classified as Pathogenic.

NM_000444.6(PHEX):c.1382C>G (p.Thr461Arg)

Gene: PHEX (phosphate regulating endopeptidase X-linked; plus strand). Cytogenetic location: Xp22.11.
Variant type: single nucleotide variant.
Coding change: c.1382C>G on transcript NM_000444.6 (MANE Select); coding-DNA position 1382, C replaced by G.
Protein change: p.Thr461Arg; replaces threonine 461 with arginine.
Molecular consequence: missense variant.
Genome position (GRCh38, 1-based): chrX:22,133,602, C>G. VCF-style: chrX-22133602-C-G. GRCh37 (hg19) VCF-style: chrX-22151719-C-G.
Other names: c.1382C>G, p.Thr461Arg (NM_001282754.2); short protein forms T461R.
Identifiers: ClinVar variation 860072 (VCV000860072.7), dbSNP rs374873766, ClinGen allele CA412574722.